The following is an entry in ClinVar:

ClinVar aggregate classification (germline): Uncertain significance. Review status: criteria provided, multiple submitters, no conflicts (2 of 4 stars). 2 submissions from 2 submitters: Uncertain significance (2). Last evaluated 2026-01-10.

Conditions:
Hereditary cancer-predisposing syndrome. Also called: Neoplastic Syndromes, Hereditary; Tumor predisposition; Hereditary Cancer Syndrome; Hereditary neoplastic syndrome. Identifiers: Orphanet 140162, MedGen C0027672, MeSH D009386, MONDO:0015356.
POLD1-related polyposis and colorectal cancer syndrome (CRCS10). Also called: Colorectal cancer 10; COLORECTAL CANCER, SUSCEPTIBILITY TO, ON CHROMOSOME 19q; Colorectal cancer, susceptibility to, 10. Identifiers: Orphanet 220460, MedGen C2675481, MONDO:0012953, OMIM 612591.

Allele frequency attached by ClinVar (database versions not stated): gnomAD exomes below 0.00001.
gnomAD v4.1: 1 of 1,613,940 alleles (0.000062%); highest among the groups gnomAD compares: Non-Finnish European, 0.000085%; no homozygotes.

Submissions (2):

Labcorp Genetics (formerly Invitae), Labcorp
Classification: Uncertain significance for POLD1-related polyposis and colorectal cancer syndrome. Last evaluated: 2026-01-10. Review status: criteria provided, single submitter. Criteria: Invitae Variant Classification Sherloc (09022015). Collection method: clinical testing. Allele origin: germline.
Comment: This sequence change replaces phenylalanine, which is neutral and non-polar, with serine, which is neutral and polar, at codon 135 of the POLD1 protein (p.Phe135Ser). This variant is not present in population databases (gnomAD no frequency). This variant has not been reported in the literature in individuals affected with POLD1-related conditions. ClinVar contains an entry for this variant (Variation ID: 2990983). Invitae Evidence Modeling of protein sequence and biophysical properties (such as structural, functional, and spatial information, amino acid conservation, physicochemical variation, residue mobility, and thermodynamic stability) indicates that this missense variant is not expected to disrupt POLD1 protein function with a negative predictive value of 80%. In summary, the available evidence is currently insufficient to determine the role of this variant in disease. Therefore, it has been classified as a Variant of Uncertain Significance.

Ambry Genetics
Classification: Uncertain significance for Hereditary cancer-predisposing syndrome. Last evaluated: 2025-07-28. Review status: criteria provided, single submitter. Criteria: Ambry Variant Classification Scheme 2023. Collection method: clinical testing. Allele origin: germline.
Comment: The p.F135S variant (also known as c.404T>C), located in coding exon 3 of the POLD1 gene, results from a T to C substitution at nucleotide position 404. The phenylalanine at codon 135 is replaced by serine, an amino acid with highly dissimilar properties. This amino acid position is conserved. In addition, this alteration is predicted to be tolerated by in silico analysis. Based on the available evidence, the clinical significance of this variant remains unclear.

NM_002691.4(POLD1):c.404T>C (p.Phe135Ser)

Gene: POLD1 (DNA polymerase delta 1, catalytic subunit; plus strand). Cytogenetic location: 19q13.33.
Variant type: single nucleotide variant.
Coding change: c.404T>C on transcript NM_002691.4 (MANE Select); coding-DNA position 404, T replaced by C.
Protein change: p.Phe135Ser; replaces phenylalanine 135 with serine.
Molecular consequence: missense variant. On other transcripts: non-coding transcript variant (1).
Genome position (GRCh38, 1-based): chr19:50,401,865, T>C. VCF-style: chr19-50401865-T-C. GRCh37 (hg19) VCF-style: chr19-50905122-T-C.
Other names: c.404T>C (NM_002691.2); c.404T>C, p.Phe135Ser (NM_001256849.1, NM_001308632.1); short protein forms F135S.
Identifiers: ClinVar variation 2990983 (VCV002990983.4), dbSNP rs2513956053, ClinGen allele CA406972484.